The following is an entry in ClinVar:

ClinVar aggregate classification (germline): Uncertain significance (1 of 4 stars; one submission).

Allele frequency attached by ClinVar (database versions not stated): gnomAD exomes below 0.00001.
gnomAD v4.1: 1 of 1,614,158 alleles (0.000062%); highest among the groups gnomAD compares: Non-Finnish European, 0.000085%; no homozygotes.

Submission:

Labcorp Genetics (formerly Invitae), Labcorp
Classification: Uncertain significance for Combined immunodeficiency due to DOCK8 deficiency. Last evaluated: 2024-02-24. Review status: criteria provided, single submitter. Criteria: Invitae Variant Classification Sherloc (09022015). Collection method: clinical testing. Allele origin: germline.
Comment: This sequence change replaces serine, which is neutral and polar, with phenylalanine, which is neutral and non-polar, at codon 1637 of the DOCK8 protein (p.Ser1637Phe). This variant is not present in population databases (gnomAD no frequency). This variant has not been reported in the literature in individuals affected with DOCK8-related conditions. ClinVar contains an entry for this variant (Variation ID: 2088986). Advanced modeling of protein sequence and biophysical properties (such as structural, functional, and spatial information, amino acid conservation, physicochemical variation, residue mobility, and thermodynamic stability) performed at Invitae indicates that this missense variant is expected to disrupt DOCK8 protein function with a positive predictive value of 80%. In summary, the available evidence is currently insufficient to determine the role of this variant in disease. Therefore, it has been classified as a Variant of Uncertain Significance.

NM_203447.4(DOCK8):c.4910C>T (p.Ser1637Phe)

Gene: DOCK8 (dedicator of cytokinesis 8; plus strand). Cytogenetic location: 9p24.3.
Variant type: single nucleotide variant.
Coding change: c.4910C>T on transcript NM_203447.4 (MANE Select); coding-DNA position 4910, C replaced by T.
Protein change: p.Ser1637Phe; replaces serine 1637 with phenylalanine.
Molecular consequence: missense variant.
Genome position (GRCh38, 1-based): chr9:434,806, C>T. VCF-style: chr9-434806-C-T. GRCh37 (hg19) VCF-style: chr9-434806-C-T.
Other names: c.4610C>T, p.Ser1537Phe (NM_001190458.2); c.4706C>T, p.Ser1569Phe (NM_001193536.2); short protein forms S1537F, S1569F, S1637F.
Identifiers: ClinVar variation 2088986 (VCV002088986.3), dbSNP rs2537376291, ClinGen allele CA372767231.